The following is an entry in ClinVar:

NM_000264.5(PTCH1):c.916G>T (p.Ala306Ser)

Gene: PTCH1 (patched 1; minus strand). Cytogenetic location: 9q22.32.
Variant type: single nucleotide variant.
Coding change: c.916G>T on transcript NM_000264.5 (MANE Select); coding-DNA position 916, G replaced by T.
Protein change: p.Ala306Ser; replaces alanine 306 with serine.
Molecular consequence: missense variant. On other transcripts: non-coding transcript variant (1).
Genome position (GRCh38, 1-based): chr9:95,480,419, C>A on the plus strand (G>T on the coding strand, the complement: PTCH1 is on the minus strand). VCF-style: chr9-95480419-C-A. GRCh37 (hg19) VCF-style: chr9-98242701-C-A.
Other names: c.718G>T, p.Ala240Ser (NM_001083602.3); c.913G>T, p.Ala305Ser (NM_001083603.3); c.463G>T, p.Ala155Ser (NM_001083604.3, NM_001083605.3, NM_001083606.3 and 1 more transcripts); c.916G>T, p.Ala306Ser (NM_001354918.2); short protein forms A155S, A305S, A240S, A306S.
Identifiers: ClinVar variation 2002958 (VCV002002958.5), dbSNP rs547776340, ClinGen allele CA374113703.

ClinVar aggregate classification (germline): Conflicting classifications of pathogenicity. Review status: criteria provided, conflicting classifications (1 of 4 stars). 2 submissions from 2 submitters: Uncertain significance (1); Likely benign (1). Last evaluated 2026-02-10.

Conditions:
Gorlin syndrome. Also called: Nevoid Basal Cell Carcinoma Syndrome; Basal cell nevus syndrome. Identifiers: Orphanet 377, MedGen C0004779, MONDO:0007187.
Hereditary cancer-predisposing syndrome. Also called: Neoplastic Syndromes, Hereditary; Tumor predisposition; Hereditary Cancer Syndrome; Hereditary neoplastic syndrome. Identifiers: Orphanet 140162, MedGen C0027672, MeSH D009386, MONDO:0015356.

Submissions (2):

Ambry Genetics
Classification: Likely benign for Hereditary cancer-predisposing syndrome. Last evaluated: 2026-02-10. Review status: criteria provided, single submitter. Criteria: Ambry Variant Classification Scheme 2023. Collection method: clinical testing. Allele origin: germline.

Labcorp Genetics (formerly Invitae), Labcorp
Classification: Uncertain significance for Gorlin syndrome. Last evaluated: 2022-06-08. Review status: criteria provided, single submitter. Criteria: Invitae Variant Classification Sherloc (09022015). Collection method: clinical testing. Allele origin: germline.
Comment: In summary, the available evidence is currently insufficient to determine the role of this variant in disease. Therefore, it has been classified as a Variant of Uncertain Significance. Advanced modeling of protein sequence and biophysical properties (such as structural, functional, and spatial information, amino acid conservation, physicochemical variation, residue mobility, and thermodynamic stability) performed at Invitae indicates that this missense variant is not expected to disrupt PTCH1 protein function. This variant has not been reported in the literature in individuals affected with PTCH1-related conditions. This variant is not present in population databases (gnomAD no frequency). This sequence change replaces alanine, which is neutral and non-polar, with serine, which is neutral and polar, at codon 306 of the PTCH1 protein (p.Ala306Ser).